The following is an entry in ClinVar:

NM_000218.3(KCNQ1):c.1514+14332A>G

Genes: KCNQ1 (potassium voltage-gated channel subfamily Q member 1; plus strand), KCNQ1OT1 (KCNQ1 opposite strand/antisense transcript 1; minus strand). Cytogenetic location: 11p15.5.
Variant type: single nucleotide variant.
Coding change: c.1514+14332A>G on transcript NM_000218.3 (MANE Select); 14332 bases into the intron after coding-DNA position 1514, A replaced by G.
Molecular consequence: intron variant. On other transcripts: non-coding transcript variant (1).
Genome position (GRCh38, 1-based): chr11:2,676,413, A>G. VCF-style: chr11-2676413-A-G. GRCh37 (hg19) VCF-style: chr11-2697643-A-G.
Other names: c.1244+14332A>G (NM_001406837.1); c.1418+14332A>G (NM_001406836.1); c.974+14332A>G (NM_001406838.1); c.1133+14332A>G (NM_181798.2).
Identifiers: ClinVar variation 2641475 (VCV002641475.24), dbSNP rs199803239, ClinGen allele CA216181852.
Genomic context (GRCh38, chr11:2,676,413, plus strand): 5'-TGGGCTTCCAGTATAATTGGAAGGAGCATAGTCTCTGTGTTCAGCTAGAGATTTAGCCCA[A>G]TGGGCTGGGCTTTTCCCAGATAGGACATGCTCACTGTTCTGCTCAGATTGTTAGCTGTAG-3'

ClinVar aggregate classification (germline): Benign (1 of 4 stars; one submission).

Allele frequency attached by ClinVar (database versions not stated): gnomAD 0.00017; TOPMed 0.00026; 1000 Genomes Project 0.00080; 1000 Genomes Project 30x 0.00094.
gnomAD v4.1: 87 of 398,632 alleles (0.022%); highest among the groups gnomAD compares: East Asian, 0.24%; no homozygotes.

Submission:

CeGaT Center for Human Genetics Tuebingen
Classification: Benign. Last evaluated: 2025-09-01. Review status: criteria provided, single submitter. Criteria: CeGaT Center For Human Genetics Tuebingen Variant Classification Criteria Version 2. Collection method: clinical testing. Allele origin: germline. Affected: yes. Observed: 2 variant alleles.
Comment: KCNQ1OT1: BS1, BS2